The following is an entry in ClinVar:

ClinVar aggregate classification (germline): Uncertain significance. Review status: criteria provided, multiple submitters, no conflicts (2 of 4 stars). 2 submissions from 2 submitters: Uncertain significance (2). Last evaluated 2025-12-20.

Submissions (2):

GeneDx
Classification: Uncertain significance. Last evaluated: 2025-12-20. Review status: criteria provided, single submitter. Criteria: GeneDx Variant Classification Process June 2021. Collection method: clinical testing. Allele origin: germline.
Comment: Not observed at significant frequency in large population cohorts (gnomAD); In silico analysis supports that this missense variant has a deleterious effect on protein structure/function; Has not been previously published as pathogenic or benign to our knowledge

Women's Health and Genetics/Laboratory Corporation of America, LabCorp
Classification: Uncertain significance. Last evaluated: 2025-12-01. Review status: criteria provided, single submitter. Criteria: LabCorp Variant Classification Summary - May 2015. Collection method: clinical testing. Allele origin: germline.
Comment: Variant summary: SETD2 c.152C>G (p.Ser51Cys) results in a non-conservative amino acid change in the encoded protein sequence. Algorithms developed to predict the effect of missense changes on protein structure and function all suggest that this variant is likely to be disruptive. The variant was absent in 155238 control chromosomes (gnomAD). The available data on variant occurrences in the general population are insufficient to allow any conclusion about variant significance. To our knowledge, no occurrence of c.152C>G in individuals affected with SETD2-related conditions and no experimental evidence demonstrating its impact on protein function have been reported. ClinVar contains an entry for this variant (Variation ID: 4083348). Based on the evidence outlined above, the variant was classified as uncertain significance.

NM_014159.7(SETD2):c.152C>G (p.Ser51Cys)

Gene: SETD2 (SET domain containing 2, histone lysine methyltransferase; minus strand). Cytogenetic location: 3p21.31.
Variant type: single nucleotide variant.
Coding change: c.152C>G on transcript NM_014159.7 (MANE Select); coding-DNA position 152, C replaced by G.
Protein change: p.Ser51Cys; replaces serine 51 with cysteine.
Molecular consequence: missense variant. On other transcripts: non-coding transcript variant (1).
Genome position (GRCh38, 1-based): chr3:47,124,484, G>C on the plus strand (C>G on the coding strand, the complement: SETD2 is on the minus strand). VCF-style: chr3-47124484-G-C. GRCh37 (hg19) VCF-style: chr3-47165974-G-C.
Other names: c.20C>G, p.Ser7Cys (NM_001349370.3); short protein forms S51C, S7C.
Identifiers: ClinVar variation 4083348 (VCV004083348.3).